The following is an entry in ClinVar:

NM_001267550.2(TTN):c.16462A>T (p.Lys5488Ter)

Gene: TTN (titin; minus strand). Cytogenetic location: 2q31.2.
Variant type: single nucleotide variant.
Coding change: c.16462A>T on transcript NM_001267550.2 (MANE Select); coding-DNA position 16462, A replaced by T.
Protein change: p.Lys5488Ter; replaces lysine 5488 with a stop codon.
Molecular consequence: nonsense. On other transcripts: intron variant (3).
Genome position (GRCh38, 1-based): chr2:178,732,599, T>A on the plus strand (A>T on the coding strand, the complement: TTN is on the minus strand). VCF-style: chr2-178732599-T-A. GRCh37 (hg19) VCF-style: chr2-179597326-T-A.
Other names: c.15511A>T, p.Lys5171Ter (NM_001256850.1); c.12730A>T, p.Lys4244Ter (NM_133378.4); c.13282+5483A>T (NM_003319.4); c.13858+5483A>T (NM_133437.4); c.13657+5483A>T (NM_133432.3); short protein forms K5171*, K5488*, K4244*.
Identifiers: ClinVar variation 488879 (VCV000488879.2), dbSNP rs1553926191, ClinGen allele CA349584356.

ClinVar aggregate classification (germline): Uncertain significance (1 of 4 stars; one submission).

Submission:

GeneDx
Classification: Uncertain significance. Last evaluated: 2016-03-12. Review status: criteria provided, single submitter. Criteria: GeneDx Variant Classification (06012015). Collection method: clinical testing. Allele origin: germline. Affected: yes.
Comment: A variant of uncertain significance has been identified in the TTN gene. The K4244X variant has not been published as a pathogenic variant, nor has it been reported as a benign variant to our knowledge. It was not observed in approximately 6,000 individuals of European and African American ancestry in the NHLBI Exome Sequencing Project, indicating it is not a common benign variant in these populations. The K4244X nonsense variant is predicted to cause loss of normal protein function either through protein truncation or nonsense-mediated mRNA decay. However, this variant is not located in the A-band nor the M-line region of titin, where the majority of truncating variants associated with disease have been reported. Therefore, based on the currently available information, it is unclear whether this variant is a pathogenic variant or a rare benign variant.